The following is an entry in ClinVar:

ClinVar aggregate classification (germline): Uncertain significance. Review status: criteria provided, multiple submitters, no conflicts (2 of 4 stars). 2 submissions from 2 submitters: Uncertain significance (2). Last evaluated 2022-09-27.

Conditions:
HNSHA due to aldolase A deficiency (GSD12). Also called: GLYCOGEN STORAGE DISEASE XII; GSD XII; RED CELL ALDOLASE DEFICIENCY; Glycogen storage disease due to aldolase A deficiency. Identifiers: Orphanet 57, MedGen C0272066, MONDO:0012747, OMIM 611881.

Allele frequency attached by ClinVar (database versions not stated): gnomAD 0.00001; gnomAD exomes 0.00003; TOPMed 0.00003; ExAC 0.00005.
gnomAD v4.1: 51 of 1,614,066 alleles (0.0032%); highest among the groups gnomAD compares: Non-Finnish European, 0.0039%; no homozygotes.

Submissions (2):

Revvity Omics, Revvity
Classification: Uncertain significance for HNSHA due to aldolase A deficiency. Last evaluated: 2022-09-27. Review status: criteria provided, single submitter. Criteria: ACMG Guidelines, 2015. Collection method: clinical testing. Allele origin: germline.

Labcorp Genetics (formerly Invitae), Labcorp
Classification: Uncertain significance for HNSHA due to aldolase A deficiency. Last evaluated: 2022-07-19. Review status: criteria provided, single submitter. Criteria: Invitae Variant Classification Sherloc (09022015). Collection method: clinical testing. Allele origin: germline.
Comment: In summary, the available evidence is currently insufficient to determine the role of this variant in disease. Therefore, it has been classified as a Variant of Uncertain Significance. Algorithms developed to predict the effect of missense changes on protein structure and function are either unavailable or do not agree on the potential impact of this missense change (SIFT: "Deleterious"; PolyPhen-2: "Benign"; Align-GVGD: "Class C0"). This variant has not been reported in the literature in individuals affected with ALDOA-related conditions. This variant is present in population databases (rs771740082, gnomAD 0.007%). This sequence change replaces proline, which is neutral and non-polar, with serine, which is neutral and polar, at codon 115 of the ALDOA protein (p.Pro115Ser).

NM_001243177.4(ALDOA):c.505C>T (p.Pro169Ser)

Genes: ALDOA (aldolase, fructose-bisphosphate A; plus strand), LOC112694756 (uncharaterized LOC112694756; plus strand). Cytogenetic location: 16p11.2.
Variant type: single nucleotide variant.
Coding change: c.505C>T on transcript NM_001243177.4 (MANE Select); coding-DNA position 505, C replaced by T.
Protein change: p.Pro169Ser; replaces proline 169 with serine.
Molecular consequence: missense variant. On other transcripts: 3 prime UTR variant (3).
Genome position (GRCh38, 1-based): chr16:30,068,664, C>T. VCF-style: chr16-30068664-C-T. GRCh37 (hg19) VCF-style: chr16-30079985-C-T.
Other names: c.*852C>T (NM_001365304.2, NM_001365305.2, NM_001365307.2); c.343C>T, p.Pro115Ser (NM_001127617.2, NM_184041.5, NM_184043.2); short protein forms P115S, P169S.
Identifiers: ClinVar variation 2186445 (VCV002186445.6), dbSNP rs771740082, ClinGen allele CA8000958.